The following is an entry in ClinVar:

ClinVar aggregate classification (germline): Uncertain significance (1 of 4 stars; one submission).

Conditions:
3-methylcrotonyl-CoA carboxylase 2 deficiency. Also called: METHYLCROTONYLGLYCINURIA, TYPE II; 3 alpha methylcrotonyl-CoA carboxylase 2 deficiency; 3 alpha methylcrotonylglycinuria 2; MCC 2 deficiency; Methylcrotonylglycinuria type 2. Identifiers: Orphanet 6, MedGen C1859499, MONDO:0008862, OMIM 210210.

Submission:

Labcorp Genetics (formerly Invitae), Labcorp
Classification: Uncertain significance for 3-methylcrotonyl-CoA carboxylase 2 deficiency. Last evaluated: 2023-07-10. Review status: criteria provided, single submitter. Criteria: Invitae Variant Classification Sherloc (09022015). Collection method: clinical testing. Allele origin: germline.
Comment: This variant is not present in population databases (gnomAD no frequency). This variant has not been reported in the literature in individuals affected with MCCC2-related conditions. ClinVar contains an entry for this variant (Variation ID: 862991). Advanced modeling of protein sequence and biophysical properties (such as structural, functional, and spatial information, amino acid conservation, physicochemical variation, residue mobility, and thermodynamic stability) performed at Invitae indicates that this missense variant is not expected to disrupt MCCC2 protein function. In summary, the available evidence is currently insufficient to determine the role of this variant in disease. Therefore, it has been classified as a Variant of Uncertain Significance. This sequence change replaces isoleucine, which is neutral and non-polar, with leucine, which is neutral and non-polar, at codon 76 of the MCCC2 protein (p.Ile76Leu).

NM_022132.5(MCCC2):c.226A>T (p.Ile76Leu)

Gene: MCCC2 (methylcrotonyl-CoA carboxylase subunit 2; plus strand). Cytogenetic location: 5q13.2.
Variant type: single nucleotide variant.
Coding change: c.226A>T on transcript NM_022132.5 (MANE Select); coding-DNA position 226, A replaced by T.
Protein change: p.Ile76Leu; replaces isoleucine 76 with leucine.
Molecular consequence: missense variant.
Genome position (GRCh38, 1-based): chr5:71,596,309, A>T. VCF-style: chr5-71596309-A-T. GRCh37 (hg19) VCF-style: chr5-70892136-A-T.
Other names: c.226A>T, p.Ile76Leu (NM_001363147.1); short protein forms I76L.
Identifiers: ClinVar variation 862991 (VCV000862991.4), dbSNP rs140027063, ClinGen allele CA360005830.
Genomic context (GRCh38, chr5:71,596,309, plus strand): 5'-CTAATCTAATCTAATCACATTTCTATCATAGGAGGTGGTGAGAAAGCCCGAGCACTTCAC[A>T]TATCAAGAGGAAAACTATTGCCCAGAGAAAGAATTGACAATCTCATAGACCCAGGGTGCG-3'
Protein context (NP_071415.1, residues 66-86): GGGEKARALH[Ile76Leu]SRGKLLPRER